The following is an entry in ClinVar:

NM_001379500.1(COL18A1):c.3620C>T (p.Ser1207Phe)

Genes: COL18A1 (collagen type XVIII alpha 1 chain; plus strand), SLC19A1 (solute carrier family 19 member 1; minus strand). Cytogenetic location: 21q22.3.
Variant type: single nucleotide variant.
Coding change: c.3620C>T on transcript NM_001379500.1 (MANE Select); coding-DNA position 3620, C replaced by T.
Protein change: p.Ser1207Phe; replaces serine 1207 with phenylalanine.
Molecular consequence: missense variant.
Genome position (GRCh38, 1-based): chr21:45,510,188, C>T. VCF-style: chr21-45510188-C-T. GRCh37 (hg19) VCF-style: chr21-46930102-C-T.
Other names: NM_130445.2:c.3611C>T; c.4151C>T, p.Ser1384Phe (NM_030582.4); c.4856C>T, p.Ser1619Phe (NM_130444.3); short protein forms S1384F, S1619F, S1207F.
Identifiers: ClinVar variation 426871 (VCV000426871.12), dbSNP rs1085307837, ClinGen allele CA410501692.
Genomic context (GRCh38, chr21:45,510,188, plus strand): 5'-TCCAGTGCTTCCAGCAGGCGCGGGCCGTGGGGCTGGCGGGCACCTTCCGCGCCTTCCTGT[C>T]CTCGCGCCTGCAGGACCTGTACAGCATCGTGCGCCGTGCCGACCGCGCAGCCGTGCCCAT-3'
Protein context (NP_001366429.1, residues 1197-1217): GLAGTFRAFL[Ser1207Phe]SRLQDLYSIV

ClinVar aggregate classification (germline): Conflicting classifications of pathogenicity. Review status: criteria provided, conflicting classifications (1 of 4 stars). 3 submissions from 3 submitters: Likely pathogenic (1); Uncertain significance (2). Last evaluated 2025-08-14.

Conditions:
Inborn genetic diseases. Identifiers: MedGen C0950123, MeSH D030342.

Allele frequency attached by ClinVar (database versions not stated): gnomAD exomes below 0.00001.
gnomAD v4.1: 1 of 1,598,842 alleles (0.000063%); highest among the groups gnomAD compares: South Asian, 0.0011%; no homozygotes.

Submissions (3):

Ambry Genetics
Classification: Uncertain significance for Inborn genetic diseases. Last evaluated: 2025-08-14. Review status: criteria provided, single submitter. Criteria: Ambry Variant Classification Scheme 2023. Collection method: clinical testing. Allele origin: germline.

GeneDx
Classification: Uncertain significance. Last evaluated: 2024-03-19. Review status: criteria provided, single submitter. Criteria: GeneDx Variant Classification Process June 2021. Collection method: clinical testing. Allele origin: germline. Affected: yes.
Comment: Not observed in large population cohorts (gnomAD); In silico analysis supports that this missense variant has a deleterious effect on protein structure/function; In-silico analysis is inconclusive as to whether the variant alters gene splicing. In the absence of RNA/functional studies, the actual effect of this sequence change is unknown.; Has not been previously published as pathogenic or benign to our knowledge

Labcorp Genetics (formerly Invitae), Labcorp
Classification: Likely pathogenic. Last evaluated: 2022-10-24. Review status: criteria provided, single submitter. Criteria: Invitae Variant Classification Sherloc (09022015). Collection method: clinical testing. Allele origin: germline.
Comment: Experimental studies and prediction algorithms are not available or were not evaluated, and the functional significance of this variant is currently unknown. ClinVar contains an entry for this variant (Variation ID: 426871). This missense change has been observed in individual(s) with clinical features of Knobloch syndrome (Invitae). In at least one individual the data is consistent with being in trans (on the opposite chromosome) from a pathogenic variant. It has also been observed to segregate with disease in related individuals. This variant is not present in population databases (gnomAD no frequency). This sequence change replaces serine, which is neutral and polar, with phenylalanine, which is neutral and non-polar, at codon 1204 of the COL18A1 protein (p.Ser1204Phe). In summary, the currently available evidence indicates that the variant is pathogenic, but additional data are needed to prove that conclusively. Therefore, this variant has been classified as Likely Pathogenic. Algorithms developed to predict the effect of sequence changes on RNA splicing suggest that this variant may create or strengthen a splice site.